The following is an entry in ClinVar:

ClinVar aggregate classification (germline): Uncertain significance (1 of 4 stars; one submission).

Conditions:
Postaxial polydactyly-anterior pituitary anomalies-facial dysmorphism syndrome. Also called: Culler-Jones syndrome. Identifiers: Orphanet 420584, MedGen C4014479, MONDO:0014369, OMIM 615849.
Holoprosencephaly 9 (HPE9). Also called: PITUITARY ANOMALIES WITH HOLOPROSENCEPHALY-LIKE FEATURES; HOLOPROSENCEPHALY WITH MICROPHTHALMIA AND FIRST BRANCHIAL ARCH ANOMALIES. Identifiers: Orphanet 2162, MedGen C1835819, MONDO:0012563, OMIM 610829.

Allele frequency attached by ClinVar (database versions not stated): TOPMed below 0.00001; gnomAD 0.00001; gnomAD exomes 0.00001; ExAC 0.00002; 1000 Genomes Project 0.00020; 1000 Genomes Project 30x 0.00031.
gnomAD v4.1: 13 of 1,613,484 alleles (0.00081%); highest among the groups gnomAD compares: East Asian, 0.0067%; no homozygotes.

Submission:

Labcorp Genetics (formerly Invitae), Labcorp
Classification: Uncertain significance for Postaxial polydactyly-anterior pituitary anomalies-facial dysmorphism syndrome; Holoprosencephaly 9. Last evaluated: 2023-03-21. Review status: criteria provided, single submitter. Criteria: Invitae Variant Classification Sherloc (09022015). Collection method: clinical testing. Allele origin: germline.
Comment: Advanced modeling of protein sequence and biophysical properties (such as structural, functional, and spatial information, amino acid conservation, physicochemical variation, residue mobility, and thermodynamic stability) performed at Invitae indicates that this missense variant is not expected to disrupt GLI2 protein function. In summary, the available evidence is currently insufficient to determine the role of this variant in disease. Therefore, it has been classified as a Variant of Uncertain Significance. This variant has not been reported in the literature in individuals affected with GLI2-related conditions. This sequence change replaces alanine, which is neutral and non-polar, with threonine, which is neutral and polar, at codon 1558 of the GLI2 protein (p.Ala1558Thr). This variant is present in population databases (rs200551009, gnomAD 0.003%).

NM_001374353.1(GLI2):c.4621G>A (p.Ala1541Thr)

Gene: GLI2 (GLI family zinc finger 2; plus strand). Cytogenetic location: 2q14.2.
Variant type: single nucleotide variant.
Coding change: c.4621G>A on transcript NM_001374353.1 (MANE Select); coding-DNA position 4621, G replaced by A.
Protein change: p.Ala1541Thr; replaces alanine 1541 with threonine.
Molecular consequence: missense variant.
Genome position (GRCh38, 1-based): chr2:120,990,586, G>A. VCF-style: chr2-120990586-G-A. GRCh37 (hg19) VCF-style: chr2-121748162-G-A.
Other names: c.4672G>A, p.Ala1558Thr (NM_001371271.1, NM_005270.5); c.4246G>A, p.Ala1416Thr (NM_001374354.1); short protein forms A1558T, A1416T, A1541T.
Identifiers: ClinVar variation 2924433 (VCV002924433.3), dbSNP rs200551009, ClinGen allele CA1852681.